The following is an entry in ClinVar:

ClinVar aggregate classification (germline): Likely pathogenic (1 of 4 stars; one submission).

Conditions:
Cataract 15 multiple types. Also called: CATARACT 15, LAMELLAR WITH SUTURAL OPACITIES. Identifiers: Orphanet 91492, MedGen C3809001, MONDO:0014110, OMIM 615274.

gnomAD v4.1: 2 of 1,614,206 alleles (0.00012%); highest among the groups gnomAD compares: East Asian, 0.0045%; no homozygotes.

Submission:

Juno Genomics, Hangzhou Juno Genomics, Inc
Classification: Likely pathogenic for Cataract 15 multiple types. Review status: criteria provided, single submitter. Criteria: ACMG Guidelines, 2015. Collection method: clinical testing. Allele origin: germline.
Comment: Absent from controls (or at extremely low frequency if recessive) in Genome Aggregation Database.;Multiple lines of computational evidence support a deleterious effect on the gene or gene product.;The prevalence of the variant in affected individuals is significantly increased compared to the prevalence in controls.;Co-segregation with disease in multiple affected family members.

NM_012064.4(MIP):c.448G>C (p.Asp150His)

Gene: MIP (major intrinsic protein of lens fiber; minus strand). Cytogenetic location: 12q13.3.
Variant type: single nucleotide variant.
Coding change: c.448G>C on transcript NM_012064.4 (MANE Select); coding-DNA position 448, G replaced by C.
Protein change: p.Asp150His; replaces aspartic acid 150 with histidine.
Molecular consequence: missense variant.
Genome position (GRCh38, 1-based): chr12:56,453,668, C>G on the plus strand (G>C on the coding strand, the complement: MIP is on the minus strand). VCF-style: chr12-56453668-C-G. GRCh37 (hg19) VCF-style: chr12-56847452-C-G.
Other names: short protein forms D150H.
Identifiers: ClinVar variation 5019563 (VCV005019563.2).